The following is an entry in ClinVar:

ClinVar aggregate classification (germline): Likely pathogenic (1 of 4 stars; one submission).

Submission:

Mayo Clinic Laboratories, Mayo Clinic
Classification: Likely pathogenic. Last evaluated: 2024-01-29. Review status: criteria provided, single submitter. Criteria: ACMG Guidelines, 2015. Collection method: clinical testing. Allele origin: germline. Observed: 1 variant allele.
Comment: PM2, PVS1

Literature cited by the submitters: PubMed 17431882.

NM_002180.3(IGHMBP2):c.1060+1G>A

Gene: IGHMBP2 (immunoglobulin mu DNA binding protein 2; plus strand). Cytogenetic location: 11q13.3.
Variant type: single nucleotide variant.
Coding change: c.1060+1G>A on transcript NM_002180.3 (MANE Select); the canonical splice donor site of the intron after coding-DNA position 1060, G replaced by A.
Molecular consequence: splice donor variant.
Genome position (GRCh38, 1-based): chr11:68,917,884, G>A. VCF-style: chr11-68917884-G-A. GRCh37 (hg19) VCF-style: chr11-68685352-G-A.
Identifiers: ClinVar variation 3381069 (VCV003381069.1).